The following is an entry in ClinVar:

NM_017999.5(RNF31):c.2403+6_2403+9del

Gene: RNF31 (ring finger protein 31; plus strand). Cytogenetic location: 14q12.
Variant type: Deletion.
Coding change: c.2403+6_2403+9del on transcript NM_017999.5 (MANE Select); bases 6 to 9 of the intron after coding-DNA position 2403, 4 bases deleted (TGGC; older notation c.2403+6_2403+9delTGGC).
Molecular consequence: intron variant.
Genome position (GRCh38, 1-based): chr14:24,155,518-24,155,521, TGGC deleted. VCF-style (leftmost placement, unchanged base first): chr14-24155517-GTGGC-G. GRCh37 (hg19) VCF-style: chr14-24624726-GTGGC-G.
Other names: c.1950+6_1950+9del (NM_001310332.2).
Identifiers: ClinVar variation 1999930 (VCV001999930.4), dbSNP rs2502015142, ClinGen allele CA2580087941.

ClinVar aggregate classification (germline): Uncertain significance (1 of 4 stars; one submission).

Submission:

Labcorp Genetics (formerly Invitae), Labcorp
Classification: Uncertain significance. Last evaluated: 2024-02-17. Review status: criteria provided, single submitter. Criteria: Invitae Variant Classification Sherloc (09022015). Collection method: clinical testing. Allele origin: germline.
Comment: This sequence change falls in intron 13 of the RNF31 gene. It does not directly change the encoded amino acid sequence of the RNF31 protein. It affects a nucleotide within the consensus splice site. This variant is not present in population databases (gnomAD no frequency). This variant has not been reported in the literature in individuals affected with RNF31-related conditions. ClinVar contains an entry for this variant (Variation ID: 1999930). Variants that disrupt the consensus splice site are a relatively common cause of aberrant splicing (PMID: 17576681, 9536098). Algorithms developed to predict the effect of sequence changes on RNA splicing suggest that this variant is not likely to affect RNA splicing. In summary, the available evidence is currently insufficient to determine the role of this variant in disease. Therefore, it has been classified as a Variant of Uncertain Significance.

Literature cited by the submitters: PubMed 17576681; PubMed 9536098.